The following is an entry in ClinVar:

NM_001124758.3(SPNS2):c.216C>T (p.Pro72=)

Genes: SPNS2 (SPNS lysolipid transporter 2, sphingosine-1-phosphate; plus strand), SPNS2-AS1 (SPNS2 antisense RNA 1; minus strand). Cytogenetic location: 17p13.2.
Variant type: single nucleotide variant.
Coding change: c.216C>T on transcript NM_001124758.3 (MANE Select); coding-DNA position 216, C replaced by T.
Protein change: p.Pro72=; no amino-acid change (proline 72 retained).
Molecular consequence: synonymous variant.
Genome position (GRCh38, 1-based): chr17:4,499,263, C>T. VCF-style: chr17-4499263-C-T. GRCh37 (hg19) VCF-style: chr17-4402558-C-T.
Identifiers: ClinVar variation 3044738 (VCV003044738.3), dbSNP rs568443260, ClinGen allele CA8302748.
Genomic context (GRCh38, chr17:4,499,263, plus strand): 5'-CGCGGGCGATGAGGTGCAGACGCTGTCGGGCAGCGTAAGGCGGGCCCCGACCGGACCCCC[C>T]GGCACCCCCGGCACCCCCGGCTGCGCAGCTACTGCAAAGGGCCCCGGCGCTCAGCAGCCC-3'
Protein context (NP_001118230.1, residues 62-82): GSVRRAPTGP[Pro72=]GTPGTPGCAA

ClinVar aggregate classification (germline): Likely benign. Review status: criteria provided, single submitter (1 of 4 stars). 2 submissions from 2 submitters: Likely benign (1). 1 of the submissions does not count toward it. Last evaluated 2024-10-07.

Conditions:
SPNS2-related disorder. Also called: SPNS2-related condition.

Allele frequency attached by ClinVar (database versions not stated): ExAC 0.00028; gnomAD exomes 0.00050; gnomAD 0.00515; 1000 Genomes Project 0.00519; TOPMed 0.00586.
gnomAD v4.1: 1,492 of 1,474,560 alleles (0.1%); highest among the groups gnomAD compares: African/African-American, 1.8%; 13 homozygotes.

Submissions (2):

Blueprint Genetics
Classification: Likely benign. Last evaluated: 2024-10-07. Review status: criteria provided, single submitter. Criteria: ACMG Guidelines, 2015. Collection method: clinical testing. Allele origin: germline.

PreventionGenetics, part of Exact Sciences
Classification: Benign for SPNS2-related condition. Last evaluated: 2019-11-25. Review status: no assertion criteria provided. Collection method: clinical testing. Allele origin: germline. Not counted in ClinVar's aggregate classification.
Comment: This variant is classified as benign based on ACMG/AMP sequence variant interpretation guidelines (Richards et al. 2015 PMID: 25741868, with internal and published modifications).